The following is an entry in ClinVar:

NM_001135649.3(FOXI3):c.7C>T (p.Leu3Phe)

Gene: FOXI3 (forkhead box I3; minus strand). Cytogenetic location: 2p11.2.
Variant type: single nucleotide variant.
Coding change: c.7C>T on transcript NM_001135649.3 (MANE Select); coding-DNA position 7, C replaced by T.
Protein change: p.Leu3Phe; replaces leucine 3 with phenylalanine.
Molecular consequence: missense variant.
Genome position (GRCh38, 1-based): chr2:88,452,529, G>A on the plus strand (C>T on the coding strand, the complement: FOXI3 is on the minus strand). VCF-style: chr2-88452529-G-A. GRCh37 (hg19) VCF-style: chr2-88752047-G-A.
Other names: c.7C>T (NM_001135649.1); short protein forms L3F.
Identifiers: ClinVar variation 2069935 (VCV002069935.5), dbSNP rs1466806705, ClinGen allele CA347767253.

ClinVar aggregate classification (germline): Uncertain significance. Review status: criteria provided, multiple submitters, no conflicts (2 of 4 stars). 2 submissions from 2 submitters: Uncertain significance (2). Last evaluated 2025-11-12.

Conditions:
Inborn genetic diseases. Identifiers: MedGen C0950123, MeSH D030342.

Allele frequency attached by ClinVar (database versions not stated): gnomAD exomes below 0.00001; TOPMed 0.00003; gnomAD 0.00003.

Submissions (2):

Ambry Genetics
Classification: Uncertain significance for Inborn genetic diseases. Last evaluated: 2025-11-12. Review status: criteria provided, single submitter. Criteria: Ambry Variant Classification Scheme 2023. Collection method: clinical testing. Allele origin: germline.

Labcorp Genetics (formerly Invitae), Labcorp
Classification: Uncertain significance. Last evaluated: 2022-09-01. Review status: criteria provided, single submitter. Criteria: Invitae Variant Classification Sherloc (09022015). Collection method: clinical testing. Allele origin: germline.
Comment: This variant has not been reported in the literature in individuals affected with FOXI3-related conditions. In summary, the available evidence is currently insufficient to determine the role of this variant in disease. Therefore, it has been classified as a Variant of Uncertain Significance. Experimental studies and prediction algorithms are not available or were not evaluated, and the functional significance of this variant is currently unknown. The frequency data for this variant in the population databases is considered unreliable, as metrics indicate insufficient coverage at this position in the gnomAD database. This sequence change replaces leucine, which is neutral and non-polar, with phenylalanine, which is neutral and non-polar, at codon 3 of the FOXI3 protein (p.Leu3Phe).